The following is an entry in ClinVar:

ClinVar aggregate classification (germline): Uncertain significance (1 of 4 stars; one submission).

Conditions:
Severe combined immunodeficiency due to DNA-PKcs deficiency. Also called: Immunodeficiency 26 with or without neurologic abnormalities; IMMUNODEFICIENCY 26 WITH NEUROLOGIC ABNORMALITIES. Identifiers: Orphanet 317425, MedGen C4014833, MONDO:0014423, OMIM 615966.

Submission:

Labcorp Genetics (formerly Invitae), Labcorp
Classification: Uncertain significance for Severe combined immunodeficiency due to DNA-PKcs deficiency. Last evaluated: 2019-11-25. Review status: criteria provided, single submitter. Criteria: Invitae Variant Classification Sherloc (09022015). Collection method: clinical testing. Allele origin: germline.
Comment: In summary, the available evidence is currently insufficient to determine the role of this variant in disease. Therefore, it has been classified as a Variant of Uncertain Significance. Algorithms developed to predict the effect of missense changes on protein structure and function (SIFT, PolyPhen-2, Align-GVGD) all suggest that this variant is likely to be tolerated, but these predictions have not been confirmed by published functional studies and their clinical significance is uncertain. This variant has not been reported in the literature in individuals with PRKDC-related conditions. This variant is not present in population databases (ExAC no frequency). This sequence change replaces aspartic acid with glutamic acid at codon 1821 of the PRKDC protein (p.Asp1821Glu). The aspartic acid residue is moderately conserved and there is a small physicochemical difference between aspartic acid and glutamic acid.

NM_006904.7(PRKDC):c.5463C>G (p.Asp1821Glu)

Gene: PRKDC (protein kinase, DNA-activated, catalytic subunit; minus strand). Cytogenetic location: 8q11.21.
Variant type: single nucleotide variant.
Coding change: c.5463C>G on transcript NM_006904.7 (MANE Select); coding-DNA position 5463, C replaced by G.
Protein change: p.Asp1821Glu; replaces aspartic acid 1821 with glutamic acid.
Molecular consequence: missense variant.
Genome position (GRCh38, 1-based): chr8:47,864,664, G>C on the plus strand (C>G on the coding strand, the complement: PRKDC is on the minus strand). VCF-style: chr8-47864664-G-C. GRCh37 (hg19) VCF-style: chr8-48777225-G-C.
Other names: c.5463C>G, p.Asp1821Glu (NM_001081640.2); short protein forms D1821E.
Identifiers: ClinVar variation 845732 (VCV000845732.8), dbSNP rs2088764199, ClinGen allele CA371163508.